The following is an entry in ClinVar:

ClinVar aggregate classification (germline): Conflicting classifications of pathogenicity. Review status: criteria provided, conflicting classifications (1 of 4 stars). 2 submissions from 2 submitters: Uncertain significance (1); Likely benign (1). Last evaluated 2024-01-17.

Conditions:
Familial sleep-related hypermotor epilepsy. Also called: Autosomal Dominant Sleep-Related Hypermotor (Hyperkinetic) Epilepsy. Identifiers: Orphanet 98784, MedGen C3696898, MONDO:0000030.

Submissions (2):

Athena Diagnostics
Classification: Uncertain significance. Last evaluated: 2024-01-17. Review status: criteria provided, single submitter. Criteria: Athena Diagnostics Criteria. Collection method: clinical testing. Allele origin: unknown.
Comment: Available data are insufficient to determine the clinical significance of the variant at this time. This variant has not been reported in large, multi-ethnic general populations. Computational tools predict that this variant is not damaging.

Labcorp Genetics (formerly Invitae), Labcorp
Classification: Likely benign. Last evaluated: 2022-01-13. Review status: criteria provided, single submitter. Criteria: Invitae Variant Classification Sherloc (09022015). Collection method: clinical testing. Allele origin: germline.

NM_000742.4(CHRNA2):c.116A>G (p.Asp39Gly)

Gene: CHRNA2 (cholinergic receptor nicotinic alpha 2 subunit; minus strand). Cytogenetic location: 8p21.2.
Variant type: single nucleotide variant.
Coding change: c.116A>G on transcript NM_000742.4 (MANE Select); coding-DNA position 116, A replaced by G.
Protein change: p.Asp39Gly; replaces aspartic acid 39 with glycine.
Molecular consequence: missense variant. On other transcripts: 5 prime UTR variant (4).
Genome position (GRCh38, 1-based): chr8:27,469,939, T>C on the plus strand (A>G on the coding strand, the complement: CHRNA2 is on the minus strand). VCF-style: chr8-27469939-T-C. GRCh37 (hg19) VCF-style: chr8-27327456-T-C.
Other names: c.116A>G, p.Asp39Gly (NM_001282455.2); c.-312A>G (NM_001347705.2); c.-357A>G (NM_001347706.2); c.-298A>G (NM_001347707.2); c.-346A>G (NM_001347708.2); c.116A>G (NM_000742.3); short protein forms D39G.
Identifiers: ClinVar variation 1020204 (VCV001020204.6), dbSNP rs1812823861, ClinGen allele CA370813446.